The following is an entry in ClinVar:

ClinVar aggregate classification (germline): Uncertain significance (1 of 4 stars; one submission).

Allele frequency attached by ClinVar (database versions not stated): 1000 Genomes Project 30x 0.00031.
gnomAD v4.1: 12 of 1,599,468 alleles (0.00075%); highest among the groups gnomAD compares: Admixed American, 0.0087%; no homozygotes.

Submission:

Labcorp Genetics (formerly Invitae), Labcorp
Classification: Uncertain significance. Last evaluated: 2025-10-08. Review status: criteria provided, single submitter. Criteria: Invitae Variant Classification Sherloc (09022015). Collection method: clinical testing. Allele origin: germline.
Comment: This sequence change replaces glycine, which is neutral and non-polar, with arginine, which is basic and polar, at codon 298 of the TCF3 protein (p.Gly298Arg). The frequency data for this variant in the population databases is considered unreliable, as metrics indicate poor data quality at this position in the gnomAD database. This variant has not been reported in the literature in individuals affected with TCF3-related conditions. ClinVar contains an entry for this variant (Variation ID: 1469244). Experimental studies and prediction algorithms are not available or were not evaluated, and the functional significance of this variant is currently unknown. In summary, the available evidence is currently insufficient to determine the role of this variant in disease. Therefore, it has been classified as a Variant of Uncertain Significance.

NM_003200.5(TCF3):c.892G>A (p.Gly298Arg)

Gene: TCF3 (transcription factor 3; minus strand). Cytogenetic location: 19p13.3.
Variant type: single nucleotide variant.
Coding change: c.892G>A on transcript NM_003200.5 (MANE Select); coding-DNA position 892, G replaced by A.
Protein change: p.Gly298Arg; replaces glycine 298 with arginine.
Molecular consequence: missense variant.
Genome position (GRCh38, 1-based): chr19:1,621,901, C>T on the plus strand (G>A on the coding strand, the complement: TCF3 is on the minus strand). VCF-style: chr19-1621901-C-T. GRCh37 (hg19) VCF-style: chr19-1621900-C-T.
Other names: c.892G>A, p.Gly298Arg (NM_001136139.4, NM_001351778.2, NM_001351779.2); short protein forms G298R.
Identifiers: ClinVar variation 1469244 (VCV001469244.6), dbSNP rs780652877, ClinGen allele CA9050180.
Genomic context (GRCh38, chr19:1,621,901, plus strand): 5'-GGAGGCTGTCGGCCCCGCTGACAGGCGGCGTGTGGCTGGAGACGCCGCCGTACGTGGCTC[C>T]GGGGGCTGAGGAGAAGGAGGATGCAGATGGGAGCCCACCGTTCACCTCTGCTCCATGCAG-3'
Protein context (NP_003191.1, residues 288-308): PSASSFSSAP[Gly298Arg]ATYGGVSSHT